The following is an entry in ClinVar:

NM_006493.4(CLN5):c.224C>T (p.Thr75Ile)

Gene: CLN5 (CLN5 lysosomal BMP synthase; plus strand). Cytogenetic location: 13q22.3.
Variant type: single nucleotide variant.
Coding change: c.224C>T on transcript NM_006493.4 (MANE Select); coding-DNA position 224, C replaced by T.
Protein change: p.Thr75Ile; replaces threonine 75 with isoleucine.
Molecular consequence: missense variant.
Genome position (GRCh38, 1-based): chr13:76,995,113, C>T. VCF-style: chr13-76995113-C-T. GRCh37 (hg19) VCF-style: chr13-77569248-C-T.
Other names: c.371C>T (LRG_692t1); c.224C>T, p.Thr75Ile (NM_001366624.2); short protein forms T75I.
Identifiers: ClinVar variation 527753 (VCV000527753.8), dbSNP rs376336781, ClinGen allele CA252176337.
Genomic context (GRCh38, chr13:76,995,113, plus strand): 5'-TCTTTATTAGGCGCTTTGACTTCCGTCCAAAACCTGATCCTTATTGTCAAGCTAAGTATA[C>T]TTTCTGTCCAACTGGCTCACCTATCCCAGTTATGGAGGGTGATGATGACATTGAAGTTTT-3'
Protein context (NP_006484.2, residues 65-85): KPDPYCQAKY[Thr75Ile]FCPTGSPIPV

ClinVar aggregate classification (germline): Uncertain significance (1 of 4 stars; one submission).

Conditions:
Neuronal ceroid lipofuscinosis. Also called: Neuronal Ceroid Lipofuscinoses. Identifiers: Orphanet 216, Orphanet 79263, MedGen C0027877, MONDO:0016295. Disease mechanism: loss of function.

Allele frequency attached by ClinVar (database versions not stated): ESP Exome Variant Server 0.00008.

Submission:

Labcorp Genetics (formerly Invitae), Labcorp
Classification: Uncertain significance for Neuronal ceroid lipofuscinosis. Last evaluated: 2022-02-24. Review status: criteria provided, single submitter. Criteria: Invitae Variant Classification Sherloc (09022015). Collection method: clinical testing. Allele origin: germline.
Comment: This sequence change replaces threonine, which is neutral and polar, with isoleucine, which is neutral and non-polar, at codon 124 of the CLN5 protein (p.Thr124Ile). This variant is not present in population databases (gnomAD no frequency). This variant has not been reported in the literature in individuals affected with CLN5-related conditions. ClinVar contains an entry for this variant (Variation ID: 527753). Algorithms developed to predict the effect of missense changes on protein structure and function (SIFT, PolyPhen-2, Align-GVGD) all suggest that this variant is likely to be disruptive. In summary, the available evidence is currently insufficient to determine the role of this variant in disease. Therefore, it has been classified as a Variant of Uncertain Significance.